The following is an entry in ClinVar:

NM_173076.3(ABCA12):c.3481A>T (p.Met1161Leu)

Gene: ABCA12 (ATP binding cassette subfamily A member 12; minus strand). Cytogenetic location: 2q35.
Variant type: single nucleotide variant.
Coding change: c.3481A>T on transcript NM_173076.3 (MANE Select); coding-DNA position 3481, A replaced by T.
Protein change: p.Met1161Leu; replaces methionine 1161 with leucine.
Molecular consequence: missense variant. On other transcripts: non-coding transcript variant (1).
Genome position (GRCh38, 1-based): chr2:214,990,845, T>A on the plus strand (A>T on the coding strand, the complement: ABCA12 is on the minus strand). VCF-style: chr2-214990845-T-A. GRCh37 (hg19) VCF-style: chr2-215855569-T-A.
Other names: c.2527A>T, p.Met843Leu (NM_015657.4); short protein forms M1161L, M843L.
Identifiers: ClinVar variation 624176 (VCV000624176.57), dbSNP rs141077206, ClinGen allele CA2091726.

ClinVar aggregate classification (germline): Benign/Likely benign. Review status: criteria provided, multiple submitters, no conflicts (2 of 4 stars). 7 submissions from 7 submitters: Benign (1); Likely benign (4). 2 of the submissions do not count toward it. Last evaluated 2026-02-04.

Conditions:
Congenital ichthyosis of skin. Identifiers: MedGen C0020758.
ABCA12-related disorder. Also called: ABCA12-related condition.

Allele frequency attached by ClinVar (database versions not stated): gnomAD 0.00092; TOPMed 0.00106; ESP Exome Variant Server 0.00108; gnomAD exomes 0.00136; ExAC 0.00156; 1000 Genomes Project 0.00220; 1000 Genomes Project 30x 0.00234.

Submissions (7):

Labcorp Genetics (formerly Invitae), Labcorp
Classification: Benign. Last evaluated: 2026-02-04. Review status: criteria provided, single submitter. Criteria: Invitae Variant Classification Sherloc (09022015). Collection method: clinical testing. Allele origin: germline.

Blueprint Genetics
Classification: Likely benign. Last evaluated: 2024-11-12. Review status: criteria provided, single submitter. Criteria: ACMG Guidelines, 2015. Collection method: clinical testing. Allele origin: germline.

CeGaT Center for Human Genetics Tuebingen
Classification: Likely benign. Last evaluated: 2018-05-01. Review status: criteria provided, single submitter. Criteria: CeGaT Center For Human Genetics Tuebingen Variant Classification Criteria Version 2. Collection method: clinical testing. Allele origin: germline. Affected: yes. Observed: 1 variant allele.

Illumina Laboratory Services, Illumina
Classification: Likely benign for Congenital ichthyosis of skin. Last evaluated: 2018-01-13. Review status: criteria provided, single submitter. Criteria: ICSL Variant Classification Criteria 13 December 2019. Collection method: clinical testing. Allele origin: germline.
Comment: This variant was observed in the ICSL laboratory as part of a predisposition screen in an ostensibly healthy population. It had not been previously curated by ICSL or reported in the Human Gene Mutation Database (HGMD: prior to June 1st, 2018), and was therefore a candidate for classification through an automated scoring system. Utilizing variant allele frequency, disease prevalence and penetrance estimates, and inheritance mode, an automated score was calculated to assess if this variant is too frequent to cause the disease. Based on the score and internal cut-off values, a variant classified as likely benign is not then subjected to further curation. The score for this variant resulted in a classification of likely benign for this disease.

Breakthrough Genomics
Classification: Likely benign. Review status: criteria provided, single submitter. Criteria: ACMG Guidelines, 2015. Collection method: not provided. Allele origin: germline. Inheritance: Autosomal recessive inheritance. Affected: yes.

PreventionGenetics, part of Exact Sciences
Classification: Likely benign for ABCA12-related condition. Last evaluated: 2019-06-24. Review status: no assertion criteria provided. Collection method: clinical testing. Allele origin: germline. Not counted in ClinVar's aggregate classification.
Comment: This variant is classified as likely benign based on ACMG/AMP sequence variant interpretation guidelines (Richards et al. 2015 PMID: 25741868, with internal and published modifications).

Department of Pathology and Laboratory Medicine, Sinai Health System
Classification: Uncertain significance. Review status: no assertion criteria provided. Collection method: clinical testing. Allele origin: unknown. Affected: yes. Study: The Canadian Open Genetics Repository (COGR). Not counted in ClinVar's aggregate classification.
Comment: The ABCA12 p.Met1161Leu variant was not identified in the literature but was identified in dbSNP (ID: rs141077206) and ClinVar (classified as likely benign by CeGaT Praxis fuer Humangenetik Tuebingen). The variant was identified in control databases in 371 of 282814 chromosomes (2 homozygous) at a frequency of 0.001312 increasing the likelihood this could be a low frequency benign variant (Genome Aggregation Database March 6, 2019, v2.1.1). The variant was observed in the following populations: South Asian in 195 of 30614 chromosomes (freq: 0.00637), Ashkenazi Jewish in 62 of 10366 chromosomes (freq: 0.005981), African in 53 of 24968 chromosomes (freq: 0.002123), Other in 4 of 7222 chromosomes (freq: 0.000554), European (non-Finnish) in 50 of 129154 chromosomes (freq: 0.000387) and Latino in 7 of 35438 chromosomes (freq: 0.000198), but was not observed in the East Asian or European (Finnish) populations. The p.Met1161 residue is conserved in mammals and computational analyses (PolyPhen-2, SIFT, AlignGVGD, BLOSUM, MutationTaster) provide inconsistent predictions regarding the impact to the protein; this information is not very predictive of pathogenicity. The variant occurs outside of the splicing consensus sequence and three of four in silico or computational prediction software programs (SpliceSiteFinder, MaxEntScan, NNSPLICE, GeneSplicer) do not predict a greater than 10% difference in splicing; this is not very predictive of pathogenicity. In summary, based on the above information the clinical significance of this variant cannot be determined with certainty at this time. This variant is classified as a variant of uncertain significance.